The following is an entry in ClinVar:

NM_173076.3(ABCA12):c.6394-2A>G

Genes: ABCA12 (ATP binding cassette subfamily A member 12; minus strand), SNHG31 (small nucleolar RNA host gene 31; plus strand). Cytogenetic location: 2q35.
Variant type: single nucleotide variant.
Coding change: c.6394-2A>G on transcript NM_173076.3 (MANE Select); the canonical splice acceptor site of the intron before coding-DNA position 6394, A replaced by G.
Molecular consequence: splice acceptor variant.
Genome position (GRCh38, 1-based): chr2:214,954,109, T>C on the plus strand (A>G on the coding strand, the complement: ABCA12 is on the minus strand). VCF-style: chr2-214954109-T-C. GRCh37 (hg19) VCF-style: chr2-215818833-T-C.
Other names: c.5440-2A>G (NM_015657.4).
Identifiers: ClinVar variation 2910155 (VCV002910155.3), dbSNP rs990205047, ClinGen allele CA64797826.
Genomic context (GRCh38, chr2:214,954,109, plus strand): 5'-CAGAATTGTGGGAAAATCAGGAAAATGCGCTTGAGGGTTTCAGAAATAAGTTCTAAAGTC[T>C]GAAATAAGAGAAATAAAAATAAAACTCAGTGTTAAGTTTCCAAAAAGCTGACAAAAATTT-3'

ClinVar aggregate classification (germline): Likely pathogenic (1 of 4 stars; one submission).

Submission:

Labcorp Genetics (formerly Invitae), Labcorp
Classification: Likely pathogenic. Last evaluated: 2023-10-26. Review status: criteria provided, single submitter. Criteria: Invitae Variant Classification Sherloc (09022015). Collection method: clinical testing. Allele origin: germline.
Comment: This sequence change affects an acceptor splice site in intron 43 of the ABCA12 gene. It is expected to disrupt RNA splicing. Variants that disrupt the donor or acceptor splice site typically lead to a loss of protein function (PMID: 16199547), and loss-of-function variants in ABCA12 are known to be pathogenic (PMID: 20672373). This variant is not present in population databases (gnomAD no frequency). Disruption of this splice site has been observed in individual(s) with autosomal recessive congenital ichthyosis (PMID: 29887490). Algorithms developed to predict the effect of sequence changes on RNA splicing suggest that this variant may disrupt the consensus splice site. In summary, the currently available evidence indicates that the variant is pathogenic, but additional data are needed to prove that conclusively. Therefore, this variant has been classified as Likely Pathogenic.

Literature cited by the submitters: PubMed 16199547; PubMed 20672373; PubMed 29887490.